The following is an entry in ClinVar:

ClinVar aggregate classification (germline): Conflicting classifications of pathogenicity. Review status: criteria provided, conflicting classifications (1 of 4 stars). 3 submissions from 3 submitters: Uncertain significance (2); Likely benign (1). Last evaluated 2024-05-10.

Conditions:
Cardiovascular phenotype. Identifiers: MedGen CN230736.

Allele frequency attached by ClinVar (database versions not stated): gnomAD exomes 0.00001 and 0.00002; gnomAD 0.00003; TOPMed 0.00003.
gnomAD v4.1: 36 of 1,549,198 alleles (0.0023%); highest among the groups gnomAD compares: Non-Finnish European, 0.0029%; no homozygotes.

Submissions (3):

Ambry Genetics
Classification: Likely benign for Cardiovascular phenotype. Last evaluated: 2024-05-10. Review status: criteria provided, single submitter. Criteria: Ambry Variant Classification Scheme 2023. Collection method: clinical testing. Allele origin: germline.

Labcorp Genetics (formerly Invitae), Labcorp
Classification: Uncertain significance. Last evaluated: 2022-10-17. Review status: criteria provided, single submitter. Criteria: Invitae Variant Classification Sherloc (09022015). Collection method: clinical testing. Allele origin: germline.
Comment: This sequence change replaces cysteine, which is neutral and slightly polar, with tyrosine, which is neutral and polar, at codon 2893 of the ZNF469 protein (p.Cys2893Tyr). This variant is present in population databases (no rsID available, gnomAD 0.004%). This variant has not been reported in the literature in individuals affected with ZNF469-related conditions. ClinVar contains an entry for this variant (Variation ID: 373325). Algorithms developed to predict the effect of missense changes on protein structure and function are either unavailable or do not agree on the potential impact of this missense change (SIFT: "Deleterious"; PolyPhen-2: "Benign"; Align-GVGD: "Class C0"). In summary, the available evidence is currently insufficient to determine the role of this variant in disease. Therefore, it has been classified as a Variant of Uncertain Significance.

GeneDx
Classification: Uncertain significance. Last evaluated: 2016-11-18. Review status: criteria provided, single submitter. Criteria: GeneDx Variant Classification (06012015). Collection method: clinical testing. Allele origin: germline. Affected: yes.
Comment: A variant of uncertain significance has been identified in the ZNF469 gene. The C2893Y variant has not been published as a pathogenic variant, nor has it been reported as a benign variant to our knowledge. This variant was not observed in approximately 2,300 individuals of European and African American ancestry in the NHLBI Exome Sequencing Project (average read depth 8.0). The C2893Y variant is a non-conservative amino acid substitution, which is likely to impact secondary protein structure as these residues differ in polarity, charge, size and/or other properties. This substitution occurs at a position that is not conserved across species. In silico analysis suggests this variant likely does not alter the protein structure/function.Therefore, based on the currently available information, it is unclear whether this variant is pathogenic or rare benign.

NM_001367624.2(ZNF469):c.8762G>A (p.Cys2921Tyr)

Gene: ZNF469 (zinc finger protein 469; plus strand). Cytogenetic location: 16q24.2.
Variant type: single nucleotide variant.
Coding change: c.8762G>A on transcript NM_001367624.2 (MANE Select); coding-DNA position 8762, G replaced by A.
Protein change: p.Cys2921Tyr; replaces cysteine 2921 with tyrosine.
Molecular consequence: missense variant.
Genome position (GRCh38, 1-based): chr16:88,436,232, G>A. VCF-style: chr16-88436232-G-A. GRCh37 (hg19) VCF-style: chr16-88502640-G-A.
Other names: NM_001127464.1:c.8678G>A; short protein forms C2921Y.
Identifiers: ClinVar variation 373325 (VCV000373325.6), dbSNP rs1029645463, ClinGen allele CA16043030.